The following is an entry in ClinVar:

ClinVar aggregate classification (germline): Likely benign. Review status: criteria provided, multiple submitters, no conflicts (2 of 4 stars). 5 submissions from 5 submitters: Likely benign (5). Last evaluated 2026-01-19.

Conditions:
NTRK1-related disorder. Also called: NTRK1-related condition.
Hereditary insensitivity to pain with anhidrosis (CIPA). Also called: NTRK1 Congenital Insensitivity to Pain with Anhidrosis; FAMILIAL DYSAUTONOMIA, TYPE II; INSENSITIVITY TO PAIN, CONGENITAL, WITH ANHIDROSIS; HSAN Type IV; NEUROPATHY, CONGENITAL SENSORY, WITH ANHIDROSIS; hereditary sensory and autonomic neuropathy type 4. Identifiers: Orphanet 642, MedGen C0020074, MONDO:0009746, OMIM 256800.

Allele frequency attached by ClinVar (database versions not stated): gnomAD 0.00009 and 0.00011; TOPMed 0.00009; ExAC 0.00015; ESP Exome Variant Server 0.00016; gnomAD exomes 0.00016 and 0.00029; 1000 Genomes Project 0.00060; 1000 Genomes Project 30x 0.00062.
gnomAD v4.1: 414 of 1,554,458 alleles (0.027%); highest among the groups gnomAD compares: East Asian, 0.065%; no homozygotes.

Submissions (5):

Labcorp Genetics (formerly Invitae), Labcorp
Classification: Likely benign for Hereditary insensitivity to pain with anhidrosis. Last evaluated: 2026-01-19. Review status: criteria provided, single submitter. Criteria: Invitae Variant Classification Sherloc (09022015). Collection method: clinical testing. Allele origin: germline.

PreventionGenetics, part of Exact Sciences
Classification: Likely benign for NTRK1-related condition. Last evaluated: 2025-09-16. Review status: criteria provided, single submitter. Criteria: ACMG Guidelines, 2015. Collection method: clinical testing. Allele origin: germline.
Comment: This variant is classified as likely benign based on ACMG/AMP sequence variant interpretation guidelines (Richards et al. 2015 PMID: 25741868, with internal and published modifications).

Blueprint Genetics
Classification: Likely benign. Last evaluated: 2024-05-28. Review status: criteria provided, single submitter. Criteria: ACMG Guidelines, 2015. Collection method: clinical testing. Allele origin: germline.

Genome-Nilou Lab
Classification: Likely benign for Hereditary insensitivity to pain with anhidrosis. Last evaluated: 2023-04-11. Review status: criteria provided, single submitter. Criteria: ACMG Guidelines, 2015. Collection method: clinical testing. Allele origin: germline. Affected: no.

ARUP Laboratories, Molecular Genetics and Genomics, ARUP Laboratories
Classification: Likely benign. Last evaluated: 2019-03-18. Review status: criteria provided, single submitter. Criteria: ARUP Molecular Germline Variant Investigation Process. Collection method: clinical testing. Allele origin: germline.

NM_002529.4(NTRK1):c.575-16C>T

Gene: NTRK1 (neurotrophic receptor tyrosine kinase 1; plus strand). Cytogenetic location: 1q23.1.
Variant type: single nucleotide variant.
Coding change: c.575-16C>T on transcript NM_002529.4 (MANE Select); 16 bases into the intron before coding-DNA position 575, C replaced by T.
Molecular consequence: intron variant.
Genome position (GRCh38, 1-based): chr1:156,868,489, C>T. VCF-style: chr1-156868489-C-T. GRCh37 (hg19) VCF-style: chr1-156838281-C-T.
Other names: c.485-16C>T (NM_001007792.1); c.575-16C>T (NM_001012331.2, NM_002529.3).
Identifiers: ClinVar variation 811933 (VCV000811933.18), dbSNP rs143312136, ClinGen allele CA1169046.